The following is an entry in ClinVar:

NM_014363.6(SACS):c.7127dup (p.Asn2376fs)

Gene: SACS (sacsin molecular chaperone; minus strand). Cytogenetic location: 13q12.12.
Variant type: Duplication.
Coding change: c.7127dup on transcript NM_014363.6 (MANE Select); coding-DNA position 7127, one base duplicated (A; older notation c.7127dupA).
Protein change: p.Asn2376fs; shifts the reading frame from asparagine 2376.
Molecular consequence: frameshift variant.
Genome position (GRCh38, 1-based): chr13:23,336,749, T duplicated on the plus strand (A on the coding strand, the reverse complement: SACS is on the minus strand); the first of 2 consecutive T bases (chr13:23,336,749-23,336,750); duplicating either gives the same sequence. VCF-style (leftmost placement, unchanged base first): chr13-23336748-A-AT. GRCh37 (hg19) VCF-style: chr13-23910887-A-AT.
Other names: c.6686dup, p.Asn2229fs (NM_001278055.2); short protein forms N2376fs, N2229fs.
Identifiers: ClinVar variation 1431119 (VCV001431119.6), dbSNP rs2137603643, ClinGen allele CA2573149133.

ClinVar aggregate classification (germline): Pathogenic (1 of 4 stars; one submission).

Conditions:
Spastic paraplegia. Identifiers: MedGen C0037772, HP:0001258.

Submission:

Labcorp Genetics (formerly Invitae), Labcorp
Classification: Pathogenic for Spastic paraplegia. Last evaluated: 2021-08-04. Review status: criteria provided, single submitter. Criteria: Invitae Variant Classification Sherloc (09022015). Collection method: clinical testing. Allele origin: germline.
Comment: For these reasons, this variant has been classified as Pathogenic. This variant disrupts a region of the SACS protein in which other variant(s) (p.Asn4549Asp, also referred to as N3799D) have been determined to be pathogenic (PMID: 15156359, 21507954). This suggests that this is a clinically significant region of the protein, and that variants that disrupt it are likely to be disease-causing. This variant has not been reported in the literature in individuals affected with SACS-related conditions. This variant is not present in population databases (ExAC no frequency). This sequence change creates a premature translational stop signal (p.Asn2376Lysfs*2) in the SACS gene. While this is not anticipated to result in nonsense mediated decay, it is expected to disrupt the last 2204 amino acid(s) of the SACS protein.

Literature cited by the submitters: PubMed 15156359; PubMed 21507954.